The following is an entry in ClinVar:

NM_002427.4(MMP13):c.337T>C (p.Trp113Arg)

Genes: MMP13 (matrix metallopeptidase 13; minus strand), LOC126861318 (BRD4-independent group 4 enhancer GRCh37_chr11:102825894-102827093; plus strand). Cytogenetic location: 11q22.2.
Variant type: single nucleotide variant.
Coding change: c.337T>C on transcript NM_002427.4 (MANE Select); coding-DNA position 337, T replaced by C.
Protein change: p.Trp113Arg; replaces tryptophan 113 with arginine.
Molecular consequence: missense variant.
Genome position (GRCh38, 1-based): chr11:102,955,277, A>G on the plus strand (T>C on the coding strand, the complement: MMP13 is on the minus strand). VCF-style: chr11-102955277-A-G. GRCh37 (hg19) VCF-style: chr11-102826006-A-G.
Other names: short protein forms W113R.
Identifiers: ClinVar variation 1951299 (VCV001951299.5), dbSNP rs2496469711, ClinGen allele CA382232116.

ClinVar aggregate classification (germline): Uncertain significance (1 of 4 stars; one submission).

Submission:

Labcorp Genetics (formerly Invitae), Labcorp
Classification: Uncertain significance. Last evaluated: 2022-04-24. Review status: criteria provided, single submitter. Criteria: Invitae Variant Classification Sherloc (09022015). Collection method: clinical testing. Allele origin: germline.
Comment: This variant is not present in population databases (gnomAD no frequency). In summary, the available evidence is currently insufficient to determine the role of this variant in disease. Therefore, it has been classified as a Variant of Uncertain Significance. Algorithms developed to predict the effect of missense changes on protein structure and function are either unavailable or do not agree on the potential impact of this missense change (SIFT: "Deleterious"; PolyPhen-2: "Probably Damaging"; Align-GVGD: "Class C0"). This variant has not been reported in the literature in individuals affected with MMP13-related conditions. This sequence change replaces tryptophan, which is neutral and slightly polar, with arginine, which is basic and polar, at codon 113 of the MMP13 protein (p.Trp113Arg).